The following is an entry in ClinVar:

ClinVar aggregate classification (germline): Uncertain significance (1 of 4 stars; one submission).

Conditions:
Hereditary cancer-predisposing syndrome. Also called: Neoplastic Syndromes, Hereditary; Tumor predisposition; Hereditary Cancer Syndrome; Hereditary neoplastic syndrome. Identifiers: Orphanet 140162, MedGen C0027672, MeSH D009386, MONDO:0015356.

Submission:

Ambry Genetics
Classification: Uncertain significance for Hereditary cancer-predisposing syndrome. Last evaluated: 2025-07-16. Review status: criteria provided, single submitter. Criteria: Ambry Variant Classification Scheme 2023. Collection method: clinical testing. Allele origin: germline.
Comment: The p.L375W variant (also known as c.1124T>G), located in coding exon 11 of the TSC2 gene, results from a T to G substitution at nucleotide position 1124. The leucine at codon 375 is replaced by tryptophan, an amino acid with similar properties. This amino acid position is conserved. In addition, the in silico prediction for this alteration is inconclusive. Based on the available evidence, the clinical significance of this variant remains unclear.

NM_000548.5(TSC2):c.1124T>G (p.Leu375Trp)

Gene: TSC2 (TSC complex subunit 2; plus strand). Cytogenetic location: 16p13.3.
Variant type: single nucleotide variant.
Coding change: c.1124T>G on transcript NM_000548.5 (MANE Select); coding-DNA position 1124, T replaced by G.
Protein change: p.Leu375Trp; replaces leucine 375 with tryptophan.
Molecular consequence: missense variant. On other transcripts: 5 prime UTR variant (10), non-coding transcript variant (5).
Genome position (GRCh38, 1-based): chr16:2,061,875, T>G. VCF-style: chr16-2061875-T-G. GRCh37 (hg19) VCF-style: chr16-2111876-T-G.
Other names: c.1214T>G, p.Leu405Trp (NM_001406668.1, NM_001406667.1); c.1112T>G, p.Leu371Trp (NM_001406671.1, NM_001406673.1); c.1124T>G, p.Leu375Trp (NM_001114382.3, NM_001077183.3, NM_021055.3 and 6 more transcripts); c.1013T>G, p.Leu338Trp (NM_001318827.2, NM_001406670.1, NM_001406678.1); c.977T>G, p.Leu326Trp (NM_001318829.2, NM_001406675.1, NM_001406676.1 and 1 more transcripts); c.662T>G, p.Leu221Trp (NM_001406681.1); c.524T>G, p.Leu175Trp (NM_001406682.1, NM_001406683.1, NM_001406684.1 and 6 more transcripts); c.-221T>G (NM_001406689.1, NM_001406690.1, NM_001406691.1 and 4 more transcripts); and 4 more; short protein forms L356W, L338W, L375W, L405W, L221W, L326W, L371W, L386W.
Identifiers: ClinVar variation 4192157 (VCV004192157.1).